The following is an entry in ClinVar:

ClinVar aggregate classification (germline): Uncertain significance (1 of 4 stars; one submission).

Conditions:
Brugada syndrome 8 (BRGDA8). Identifiers: Orphanet 130, MedGen C2751083, MONDO:0013148, OMIM 613123.

Submission:

Labcorp Genetics (formerly Invitae), Labcorp
Classification: Uncertain significance for Brugada syndrome 8. Last evaluated: 2024-08-31. Review status: criteria provided, single submitter. Criteria: Invitae Variant Classification Sherloc (09022015). Collection method: clinical testing. Allele origin: germline.
Comment: This sequence change replaces glycine, which is neutral and non-polar, with aspartic acid, which is acidic and polar, at codon 1128 of the HCN4 protein (p.Gly1128Asp). This variant is not present in population databases (gnomAD no frequency). This variant has not been reported in the literature in individuals affected with HCN4-related conditions. Invitae Evidence Modeling of protein sequence and biophysical properties (such as structural, functional, and spatial information, amino acid conservation, physicochemical variation, residue mobility, and thermodynamic stability) indicates that this missense variant is not expected to disrupt HCN4 protein function with a negative predictive value of 95%. In summary, the available evidence is currently insufficient to determine the role of this variant in disease. Therefore, it has been classified as a Variant of Uncertain Significance.

NM_005477.3(HCN4):c.3383G>A (p.Gly1128Asp)

Gene: HCN4 (hyperpolarization activated cyclic nucleotide gated potassium channel 4; minus strand). Cytogenetic location: 15q24.1.
Variant type: single nucleotide variant.
Coding change: c.3383G>A on transcript NM_005477.3 (MANE Select); coding-DNA position 3383, G replaced by A.
Protein change: p.Gly1128Asp; replaces glycine 1128 with aspartic acid.
Molecular consequence: missense variant.
Genome position (GRCh38, 1-based): chr15:73,322,710, C>T on the plus strand (G>A on the coding strand, the complement: HCN4 is on the minus strand). VCF-style: chr15-73322710-C-T. GRCh37 (hg19) VCF-style: chr15-73615051-C-T.
Other names: short protein forms G1128D.
Identifiers: ClinVar variation 3621044 (VCV003621044.2).